The following is an entry in ClinVar:

ClinVar aggregate classification (germline): Uncertain significance. Review status: criteria provided, multiple submitters, no conflicts (2 of 4 stars). 3 submissions from 3 submitters: Uncertain significance (3). Last evaluated 2025-04-26.

Conditions:
Glycogen storage disease type X (GSD10). Also called: MYOPATHY DUE TO PHOSPHOGLYCERATE MUTASE DEFICIENCY; PGAMM DEFICIENCY; PHOSPHOGLYCERATE MUTASE, MUSCLE, DEFICIENCY OF; GSD X; Dimauro disease; Glycogen storage disease due to phosphoglycerate mutase deficiency. Identifiers: Orphanet 97234, MedGen C0268149, MONDO:0009865, OMIM 261670.
Inborn genetic diseases. Identifiers: MedGen C0950123, MeSH D030342.

Allele frequency attached by ClinVar (database versions not stated): gnomAD 0.00005 and 0.00006; ExAC 0.00012; gnomAD exomes 0.00012 and 0.00015; TOPMed 0.00013; ESP Exome Variant Server 0.00031.
gnomAD v4.1: 221 of 1,614,060 alleles (0.014%); highest among the groups gnomAD compares: Non-Finnish European, 0.018%; no homozygotes.

Submissions (3):

Labcorp Genetics (formerly Invitae), Labcorp
Classification: Uncertain significance for Glycogen storage disease type X. Last evaluated: 2025-04-26. Review status: criteria provided, single submitter. Criteria: Invitae Variant Classification Sherloc (09022015). Collection method: clinical testing. Allele origin: germline.
Comment: This sequence change replaces lysine, which is basic and polar, with glutamine, which is neutral and polar, at codon 39 of the PGAM2 protein (p.Lys39Gln). This variant is present in population databases (rs147126221, gnomAD 0.02%). This variant has not been reported in the literature in individuals affected with PGAM2-related conditions. ClinVar contains an entry for this variant (Variation ID: 909252). Invitae Evidence Modeling of protein sequence and biophysical properties (such as structural, functional, and spatial information, amino acid conservation, physicochemical variation, residue mobility, and thermodynamic stability) indicates that this missense variant is not expected to disrupt PGAM2 protein function with a negative predictive value of 80%. In summary, the available evidence is currently insufficient to determine the role of this variant in disease. Therefore, it has been classified as a Variant of Uncertain Significance.

Ambry Genetics
Classification: Uncertain significance for Inborn genetic diseases. Last evaluated: 2025-02-22. Review status: criteria provided, single submitter. Criteria: Ambry Variant Classification Scheme 2023. Collection method: clinical testing. Allele origin: germline.

Illumina Laboratory Services, Illumina
Classification: Uncertain significance for Glycogen storage disease type X. Last evaluated: 2018-01-13. Review status: criteria provided, single submitter. Criteria: ICSL Variant Classification Criteria 13 December 2019. Collection method: clinical testing. Allele origin: germline.

NM_000290.4(PGAM2):c.115A>C (p.Lys39Gln)

Genes: PGAM2 (phosphoglycerate mutase 2; minus strand), DBNL (drebrin like; plus strand). Cytogenetic location: 7p13.
Variant type: single nucleotide variant.
Coding change: c.115A>C on transcript NM_000290.4 (MANE Select); coding-DNA position 115, A replaced by C.
Protein change: p.Lys39Gln; replaces lysine 39 with glutamine.
Molecular consequence: missense variant. On other transcripts: 3 prime UTR variant (6).
Genome position (GRCh38, 1-based): chr7:44,065,415, T>G on the plus strand (A>C on the coding strand, the complement: PGAM2 is on the minus strand). VCF-style: chr7-44065415-T-G. GRCh37 (hg19) VCF-style: chr7-44105014-T-G.
Other names: c.*4499T>G (NM_001014436.3, NM_001122956.2, NM_001284313.2 and 3 more transcripts); short protein forms K39Q.
Identifiers: ClinVar variation 909252 (VCV000909252.9), dbSNP rs147126221, ClinGen allele CA4236670.